The following is an entry in ClinVar:

ClinVar aggregate classification (germline): Benign. Review status: criteria provided, single submitter (1 of 4 stars). 2 submissions from 2 submitters: Benign (1). 1 of the submissions does not count toward it. Last evaluated 2025-11-11.

Conditions:
Kabuki syndrome. Also called: NIIKAWA-KUROKI SYNDROME; Kabuki make-up syndrome. Identifiers: Orphanet 2322, MedGen C0796004, MONDO:0016512.

Allele frequency attached by ClinVar (database versions not stated): TOPMed 0.00001; gnomAD exomes 0.00002; gnomAD 0.00003.
gnomAD v4.1: 24 of 1,612,930 alleles (0.0015%); highest among the groups gnomAD compares: Middle Eastern, 0.033%; no homozygotes.

Submissions (2):

Labcorp Genetics (formerly Invitae), Labcorp
Classification: Benign for Kabuki syndrome. Last evaluated: 2025-11-11. Review status: criteria provided, single submitter. Criteria: Invitae Variant Classification Sherloc (09022015). Collection method: clinical testing. Allele origin: germline.

ITMI
No classification provided. Condition: AllHighlyPenetrant. Last evaluated: 2013-09-19. Review status: no classification provided. Collection method: reference population. Allele origin: germline. Not counted in ClinVar's aggregate classification.
Comment: Please see associated publication for description of ethnicities

Literature cited by the submitters: PubMed 24728327 (cited by ITMI).

NM_003482.4(KMT2D):c.8695G>A (p.Gly2899Ser)

Gene: KMT2D (lysine methyltransferase 2D; minus strand). Cytogenetic location: 12q13.12.
Variant type: single nucleotide variant.
Coding change: c.8695G>A on transcript NM_003482.4 (MANE Select); coding-DNA position 8695, G replaced by A.
Protein change: p.Gly2899Ser; replaces glycine 2899 with serine.
Molecular consequence: missense variant.
Genome position (GRCh38, 1-based): chr12:49,038,661, C>T on the plus strand (G>A on the coding strand, the complement: KMT2D is on the minus strand). VCF-style: chr12-49038661-C-T. GRCh37 (hg19) VCF-style: chr12-49432444-C-T.
Other names: short protein forms G2899S.
Identifiers: ClinVar variation 134708 (VCV000134708.8), dbSNP rs587778472, ClinGen allele CA160583.